The following is an entry in ClinVar:

NM_013275.6(ANKRD11):c.6363G>A (p.Ala2121=)

Gene: ANKRD11 (ankyrin repeat domain 11; minus strand). Cytogenetic location: 16q24.3.
Variant type: single nucleotide variant.
Coding change: c.6363G>A on transcript NM_013275.6 (MANE Select); coding-DNA position 6363, G replaced by A.
Protein change: p.Ala2121=; no amino-acid change (alanine 2121 retained).
Molecular consequence: synonymous variant.
Genome position (GRCh38, 1-based): chr16:89,280,179, C>T on the plus strand (G>A on the coding strand, the complement: ANKRD11 is on the minus strand). VCF-style: chr16-89280179-C-T. GRCh37 (hg19) VCF-style: chr16-89346587-C-T.
Other names: c.6363G>A, p.Ala2121= (NM_001256182.2, NM_001256183.2).
Identifiers: ClinVar variation 2647061 (VCV002647061.24), dbSNP rs780839842, ClinGen allele CA8241482.

ClinVar aggregate classification (germline): Likely benign (1 of 4 stars; one submission).

Allele frequency attached by ClinVar (database versions not stated): TOPMed below 0.00001; ExAC 0.00001; gnomAD 0.00001; gnomAD exomes 0.00001.
gnomAD v4.1: 10 of 1,609,034 alleles (0.00062%); highest among the groups gnomAD compares: Admixed American, 0.0033%; no homozygotes.

Submission:

CeGaT Center for Human Genetics Tuebingen
Classification: Likely benign. Last evaluated: 2022-06-01. Review status: criteria provided, single submitter. Criteria: CeGaT Center For Human Genetics Tuebingen Variant Classification Criteria Version 2. Collection method: clinical testing. Allele origin: germline. Affected: yes. Observed: 1 variant allele.
Comment: ANKRD11: BP4, BP7